The following is an entry in ClinVar:

NM_007055.4(POLR3A):c.2788-9A>G

Gene: POLR3A (RNA polymerase III subunit A; minus strand). Cytogenetic location: 10q22.3.
Variant type: single nucleotide variant.
Coding change: c.2788-9A>G on transcript NM_007055.4 (MANE Select); 9 bases into the intron before coding-DNA position 2788, A replaced by G.
Molecular consequence: intron variant.
Genome position (GRCh38, 1-based): chr10:77,991,176, T>C on the plus strand (A>G on the coding strand, the complement: POLR3A is on the minus strand). VCF-style: chr10-77991176-T-C. GRCh37 (hg19) VCF-style: chr10-79750934-T-C.
Identifiers: ClinVar variation 2106098 (VCV002106098.4), dbSNP rs1158423039, ClinGen allele CA1921502327.
Genomic context (GRCh38, chr10:77,991,176, plus strand): 5'-GGATCAGCTCGTTTTTGCTGAGAGCAGGCTCACTGGGACACGGGAAGACTGCCTTGAGTA[T>C]TAAAAGAAAATTGCATTATGTGTGGGTGCCACAGAGAGCAGGCGGTAGTAGATGAGAGAA-3'

ClinVar aggregate classification (germline): Uncertain significance (1 of 4 stars; one submission).

Allele frequency attached by ClinVar (database versions not stated): gnomAD exomes below 0.00001.
gnomAD v4.1: 3 of 1,561,530 alleles (0.00019%); highest among the groups gnomAD compares: South Asian, 0.0022%; no homozygotes.

Submission:

Labcorp Genetics (formerly Invitae), Labcorp
Classification: Uncertain significance. Last evaluated: 2022-03-04. Review status: criteria provided, single submitter. Criteria: Invitae Variant Classification Sherloc (09022015). Collection method: clinical testing. Allele origin: germline.
Comment: In summary, the available evidence is currently insufficient to determine the role of this variant in disease. Therefore, it has been classified as a Variant of Uncertain Significance. Algorithms developed to predict the effect of sequence changes on RNA splicing suggest that this variant may disrupt the consensus splice site. This variant has not been reported in the literature in individuals affected with POLR3A-related conditions. This variant is not present in population databases (gnomAD no frequency). This sequence change falls in intron 20 of the POLR3A gene. It does not directly change the encoded amino acid sequence of the POLR3A protein.